The following is an entry in ClinVar:

NM_002772.3(TMPRSS15):c.2457G>A (p.Trp819Ter)

Gene: TMPRSS15 (transmembrane serine protease 15; minus strand). Cytogenetic location: 21q21.1.
Variant type: single nucleotide variant.
Coding change: c.2457G>A on transcript NM_002772.3 (MANE Select); coding-DNA position 2457, G replaced by A.
Protein change: p.Trp819Ter; replaces tryptophan 819 with a stop codon.
Molecular consequence: nonsense.
Genome position (GRCh38, 1-based): chr21:18,294,299, C>T on the plus strand (G>A on the coding strand, the complement: TMPRSS15 is on the minus strand). VCF-style: chr21-18294299-C-T. GRCh37 (hg19) VCF-style: chr21-19666616-C-T.
Other names: c.2592G>A, p.Trp864Ter (NM_001428056.1); c.2457G>A, p.Trp819Ter (NM_001428057.1); short protein forms W819*, W864*.
Identifiers: ClinVar variation 4989882 (VCV004989882.1).

ClinVar aggregate classification (germline): Likely pathogenic (1 of 4 stars; one submission).

Conditions:
TMPRSS15-related disorder. Also called: TMPRSS15-related condition.

gnomAD v4.1: 6 of 1,614,118 alleles (0.00037%); highest among the groups gnomAD compares: African/African-American, 0.0053%; no homozygotes.

Submission:

PreventionGenetics, part of Exact Sciences
Classification: Likely pathogenic for TMPRSS15-related condition. Last evaluated: 2025-02-23. Review status: criteria provided, single submitter. Criteria: ACMG Guidelines, 2015. Collection method: clinical testing. Allele origin: germline.
Comment: The TMPRSS15 c.2457G>A variant is predicted to result in premature protein termination (p.Trp819*). To our knowledge, this variant has not been reported in the literature. This variant is reported in 0.012% of alleles in individuals of African descent in gnomAD. Nonsense variants in TMPRSS15 are expected to be pathogenic. This variant is interpreted as likely pathogenic.